The following is an entry in ClinVar:

NM_022455.5(NSD1):c.4123G>A (p.Val1375Met)

Gene: NSD1 (nuclear receptor binding SET domain protein 1; plus strand). Cytogenetic location: 5q35.3.
Variant type: single nucleotide variant.
Coding change: c.4123G>A on transcript NM_022455.5 (MANE Select); coding-DNA position 4123, G replaced by A.
Protein change: p.Val1375Met; replaces valine 1375 with methionine.
Molecular consequence: missense variant.
Genome position (GRCh38, 1-based): chr5:177,238,438, G>A. VCF-style: chr5-177238438-G-A. GRCh37 (hg19) VCF-style: chr5-176665439-G-A.
Other names: c.3250G>A, p.Val1084Met (NM_001365684.2, NM_001409306.1, NM_001409307.1 and 3 more transcripts); c.4123G>A, p.Val1375Met (NM_001409301.1, NM_001409302.1, NM_001409303.1); c.3703G>A, p.Val1235Met (NM_001409304.1); c.3370G>A, p.Val1124Met (NM_001409305.1); short protein forms V1084M, V1124M, V1235M, V1375M.
Identifiers: ClinVar variation 4810609 (VCV004810609.1).
Genomic context (GRCh38, chr5:177,238,438, plus strand): 5'-CCCTTGGCTCAGTCAGAACTTGGAGGTGGACATGCTGAGTTGCCGCAGCTGACCTTGTCT[G>A]TGCCTGTGGCTCCGGAAGTCTCTCCACGGCCTGCCCTTGAGTCTGAGGAATTGCTAGTTA-3'
Protein context (NP_071900.2, residues 1365-1385): HAELPQLTLS[Val1375Met]PVAPEVSPRP

ClinVar aggregate classification (germline): Uncertain significance (1 of 4 stars; one submission).

Submission:

Labcorp Genetics (formerly Invitae), Labcorp
Classification: Uncertain significance. Last evaluated: 2025-12-08. Review status: criteria provided, single submitter. Criteria: Invitae Variant Classification Sherloc (09022015). Collection method: clinical testing. Allele origin: germline.
Comment: This sequence change replaces valine, which is neutral and non-polar, with methionine, which is neutral and non-polar, at codon 1375 of the NSD1 protein (p.Val1375Met). This variant is not present in population databases (gnomAD no frequency). This variant has not been reported in the literature in individuals affected with NSD1-related conditions. Invitae Evidence Modeling of protein sequence and biophysical properties (such as structural, functional, and spatial information, amino acid conservation, physicochemical variation, residue mobility, and thermodynamic stability) indicates that this missense variant is not expected to disrupt NSD1 protein function with a negative predictive value of 95%. In summary, the available evidence is currently insufficient to determine the role of this variant in disease. Therefore, it has been classified as a Variant of Uncertain Significance.